The following is an entry in ClinVar:

NM_018089.3(ANKZF1):c.466C>T (p.Arg156Ter)

Gene: ANKZF1 (ankyrin repeat and zinc finger peptidyl tRNA hydrolase 1; plus strand). Cytogenetic location: 2q35.
Variant type: single nucleotide variant.
Coding change: c.466C>T on transcript NM_018089.3 (MANE Select); coding-DNA position 466, C replaced by T.
Protein change: p.Arg156Ter; replaces arginine 156 with a stop codon.
Molecular consequence: nonsense. On other transcripts: 5 prime UTR variant (1).
Genome position (GRCh38, 1-based): chr2:219,232,591, C>T. VCF-style: chr2-219232591-C-T. GRCh37 (hg19) VCF-style: chr2-220097313-C-T.
Other names: c.466C>T, p.Arg156Ter (NM_001042410.2); c.-165C>T (NM_001282792.2); short protein forms R156*.
Identifiers: ClinVar variation 1916792 (VCV001916792.5), dbSNP rs1230825800, ClinGen allele CA350673872.

ClinVar aggregate classification (germline): Uncertain significance (1 of 4 stars; one submission).

Allele frequency attached by ClinVar (database versions not stated): gnomAD exomes below 0.00001; gnomAD 0.00001; TOPMed 0.00001.

Submission:

Labcorp Genetics (formerly Invitae), Labcorp
Classification: Uncertain significance. Last evaluated: 2022-05-11. Review status: criteria provided, single submitter. Criteria: Invitae Variant Classification Sherloc (09022015). Collection method: clinical testing. Allele origin: germline.
Comment: This sequence change creates a premature translational stop signal (p.Arg156*) in the ANKZF1 gene. It is expected to result in an absent or disrupted protein product. However, the current clinical and genetic evidence is not sufficient to establish whether loss-of-function variants in ANKZF1 cause disease. This variant is not present in population databases (gnomAD no frequency). This variant has not been reported in the literature in individuals affected with ANKZF1-related conditions. Algorithms developed to predict the effect of sequence changes on RNA splicing suggest that this variant may create or strengthen a splice site. In summary, the available evidence is currently insufficient to determine the role of this variant in disease. Therefore, it has been classified as a Variant of Uncertain Significance.